The following is an entry in ClinVar:

ClinVar aggregate classification (germline): Uncertain significance. Review status: criteria provided, multiple submitters, no conflicts (2 of 4 stars). 8 submissions from 8 submitters: Uncertain significance (8). Last evaluated 2026-03-31.

Conditions:
SDHC-related disorder. Also called: SDHC-related condition.
Pheochromocytoma/paraganglioma syndrome 3. Also called: Paragangliomas 3; GLOMUS TUMORS, FAMILIAL, 3; SDHC-Related Hereditary Paraganglioma-Pheochromocytoma Syndrome (Paragangliomas 3); SDHC-Related Hereditary Paraganglioma-Pheochromocytoma Syndrome. Identifiers: Orphanet 29072, MedGen C1854336, MONDO:0011544, OMIM 605373.
Gastrointestinal stromal tumor. Also called: Gastrointestinal stroma tumor; Gastrointestinal stromal tumor, somatic. Identifiers: Orphanet 44890, MedGen C0238198, MeSH D046152, MONDO:0011719, OMIM 606764, HP:0100723.
Carney-Stratakis syndrome. Also called: PARAGANGLIOMA AND GASTROINTESTINAL STROMAL TUMOR. Identifiers: Orphanet 97286, MedGen C1847319, MONDO:0011740, OMIM 606864.
Hereditary cancer-predisposing syndrome. Also called: Neoplastic Syndromes, Hereditary; Tumor predisposition; Hereditary Cancer Syndrome; Hereditary neoplastic syndrome. Identifiers: Orphanet 140162, MedGen C0027672, MeSH D009386, MONDO:0015356.
Hereditary pheochromocytoma and paraganglioma. Also called: Hereditary Paraganglioma-Pheochromocytoma Syndromes; Hereditary paragangliomas and pheochromocytomas; Hereditary pheochromocytoma-paraganglioma. Identifiers: Orphanet 29072, MedGen C4274332, MONDO:0017366.

Allele frequency attached by ClinVar (database versions not stated): TOPMed 0.00001.

Submissions (8):

PreventionGenetics, part of Exact Sciences
Classification: Uncertain significance for SDHC-related condition. Last evaluated: 2026-03-31. Review status: criteria provided, single submitter. Criteria: ACMG Guidelines, 2015. Collection method: clinical testing. Allele origin: germline.
Comment: The SDHC c.7G>T variant is predicted to result in the amino acid substitution p.Ala3Ser. To our knowledge, this variant has not been reported in the literature. This variant is reported in 0.0065% of alleles in individuals of South Asian descent in gnomAD. This variant is interpreted as uncertain in ClinVar (Variation ID: 407053). At this time, the clinical significance of this variant is uncertain due to the absence of conclusive functional and genetic evidence.

Labcorp Genetics (formerly Invitae), Labcorp
Classification: Uncertain significance for Pheochromocytoma/paraganglioma syndrome 3; Gastrointestinal stromal tumor. Last evaluated: 2026-01-27. Review status: criteria provided, single submitter. Criteria: Invitae Variant Classification Sherloc (09022015). Collection method: clinical testing. Allele origin: germline.
Comment: This sequence change replaces alanine, which is neutral and non-polar, with serine, which is neutral and polar, at codon 3 of the SDHC protein (p.Ala3Ser). This variant is present in population databases (rs748243732, gnomAD 0.006%). This variant has not been reported in the literature in individuals affected with SDHC-related conditions. ClinVar contains an entry for this variant (Variation ID: 407053). An algorithm developed to predict the effect of missense changes on protein structure and function (PolyPhen-2) suggests that this variant is likely to be tolerated. In summary, the available evidence is currently insufficient to determine the role of this variant in disease. Therefore, it has been classified as a Variant of Uncertain Significance.

Ambry Genetics
Classification: Uncertain significance for Hereditary cancer-predisposing syndrome. Last evaluated: 2025-08-29. Review status: criteria provided, single submitter. Criteria: Ambry Variant Classification Scheme 2023. Collection method: clinical testing. Allele origin: germline.

Color Diagnostics, LLC DBA Color Health
Classification: Uncertain significance for Hereditary pheochromocytoma and paraganglioma. Last evaluated: 2025-07-21. Review status: criteria provided, single submitter. Criteria: ACMG Guidelines, 2015. Collection method: clinical testing. Allele origin: germline.
Comment: This missense variant replaces alanine with serine at codon 3 of the SDHC protein. Computational prediction suggests that this variant may not impact protein structure and function. To our knowledge, functional studies have not been reported for this variant. This variant has not been reported in individuals affected with SDHC-related disorders in the literature. This variant has been identified in 4/251218 chromosomes in the general population by the Genome Aggregation Database (gnomAD). The available evidence is insufficient to determine the role of this variant in disease conclusively. Therefore, this variant is classified as a Variant of Uncertain Significance.

Center for Genomic Medicine, Rigshospitalet, Copenhagen University Hospital
Classification: Uncertain significance. Last evaluated: 2025-03-04. Review status: criteria provided, single submitter. Criteria: ACMG Guidelines, 2015. Collection method: clinical testing. Allele origin: germline.

GeneDx
Classification: Uncertain significance. Last evaluated: 2024-02-02. Review status: criteria provided, single submitter. Criteria: GeneDx Variant Classification Process June 2021. Collection method: clinical testing. Allele origin: germline.
Comment: Not observed at significant frequency in large population cohorts (gnomAD); In silico analysis supports that this missense variant does not alter protein structure/function; Has not been previously published as pathogenic or benign to our knowledge

Baylor Genetics
Classification: Uncertain significance for Gastrointestinal stromal tumor. Last evaluated: 2024-01-27. Review status: criteria provided, single submitter. Criteria: ACMG Guidelines, 2015. Collection method: clinical testing. Allele origin: unknown.

Fulgent Genetics
Classification: Uncertain significance for Pheochromocytoma/paraganglioma syndrome 3; Gastrointestinal stromal tumor; Carney-Stratakis syndrome. Last evaluated: 2022-02-22. Review status: criteria provided, single submitter. Criteria: ACMG Guidelines, 2015. Collection method: clinical testing. Allele origin: unknown.

NM_003001.5(SDHC):c.7G>T (p.Ala3Ser)

Gene: SDHC (succinate dehydrogenase complex subunit C; plus strand). Cytogenetic location: 1q23.3.
Variant type: single nucleotide variant.
Coding change: c.7G>T on transcript NM_003001.5 (MANE Select); coding-DNA position 7, G replaced by T.
Protein change: p.Ala3Ser; replaces alanine 3 with serine.
Molecular consequence: missense variant.
Genome position (GRCh38, 1-based): chr1:161,314,412, G>T. VCF-style: chr1-161314412-G-T. GRCh37 (hg19) VCF-style: chr1-161284202-G-T.
Other names: c.7G>T, p.Ala3Ser (NM_001035511.3, NM_001035512.3, NM_001035513.3 and 6 more transcripts); c.-554G>T (NM_001407119.1); c.-223G>T (NM_001407120.1); short protein forms A3S.
Identifiers: ClinVar variation 407053 (VCV000407053.25), dbSNP rs748243732, ClinGen allele CA048618.